The following is an entry in ClinVar:

ClinVar aggregate classification (germline): Uncertain significance. Review status: criteria provided, multiple submitters, no conflicts (2 of 4 stars). 3 submissions from 3 submitters: Uncertain significance (3). Last evaluated 2025-10-18.

gnomAD v4.1: 2 of 1,614,074 alleles (0.00012%); highest among the groups gnomAD compares: Non-Finnish European, 0.00017%; no homozygotes.

Submissions (3):

Labcorp Genetics (formerly Invitae), Labcorp
Classification: Uncertain significance. Last evaluated: 2025-10-18. Review status: criteria provided, single submitter. Criteria: Invitae Variant Classification Sherloc (09022015). Collection method: clinical testing. Allele origin: germline.
Comment: This sequence change replaces lysine, which is basic and polar, with glutamic acid, which is acidic and polar, at codon 292 of the PRPF4 protein (p.Lys292Glu). This variant is not present in population databases (gnomAD no frequency). This variant has not been reported in the literature in individuals affected with PRPF4-related conditions. An algorithm developed to predict the effect of missense changes on protein structure and function (PolyPhen-2) suggests that this variant is likely to be tolerated. In summary, the available evidence is currently insufficient to determine the role of this variant in disease. Therefore, it has been classified as a Variant of Uncertain Significance.

Ambry Genetics
Classification: Uncertain significance. Last evaluated: 2025-09-05. Review status: criteria provided, single submitter. Criteria: Ambry Variant Classification Scheme 2023. Collection method: clinical testing. Allele origin: germline.

Blueprint Genetics
Classification: Uncertain significance. Last evaluated: 2019-11-18. Review status: criteria provided, single submitter. Criteria: ACMG Guidelines, 2015. Collection method: clinical testing. Allele origin: germline.

NM_001244926.2(PRPF4):c.871A>G (p.Lys291Glu)

Gene: PRPF4 (pre-mRNA splicing tri-snRNP complex factor PRPF4; plus strand). Cytogenetic location: 9q32.
Variant type: single nucleotide variant.
Coding change: c.871A>G on transcript NM_001244926.2 (MANE Select); coding-DNA position 871, A replaced by G.
Protein change: p.Lys291Glu; replaces lysine 291 with glutamic acid.
Molecular consequence: missense variant. On other transcripts: non-coding transcript variant (2).
Genome position (GRCh38, 1-based): chr9:113,286,767, A>G. VCF-style: chr9-113286767-A-G. GRCh37 (hg19) VCF-style: chr9-116049047-A-G.
Other names: c.145A>G, p.Lys49Glu (NM_001322266.2, NM_001322267.2); c.874A>G, p.Lys292Glu (NM_004697.5); short protein forms K292E, K49E, K291E.
Identifiers: ClinVar variation 4144989 (VCV004144989.3).